The following is an entry in ClinVar:

ClinVar aggregate classification (germline): Pathogenic (1 of 4 stars; one submission).

Conditions:
Familial thoracic aortic aneurysm and aortic dissection (TAAD). Also called: Thoracic aortic aneurysms and dissections. Identifiers: Orphanet 91387, MedGen C4707243, MONDO:0019625.
Marfan syndrome (MFS). Also called: FBN1-Related Marfan Syndrome; Marfan's syndrome; MARFAN SYNDROME, TYPE I; Marfan syndrome type 1; Marfan syndrome, classic. Identifiers: Orphanet 284963, Orphanet 558, MedGen C0024796, MONDO:0007947, OMIM 154700.

Submission:

Labcorp Genetics (formerly Invitae), Labcorp
Classification: Pathogenic for Marfan syndrome; Familial thoracic aortic aneurysm and aortic dissection. Last evaluated: 2019-10-18. Review status: criteria provided, single submitter. Criteria: Invitae Variant Classification Sherloc (09022015). Collection method: clinical testing. Allele origin: germline.
Comment: This variant is an in-frame deletion of the genomic region encompassing exons 33-57 of the FBN1 gene. It preserves the integrity of the reading frame. This variant affects cysteine residues in the EGF-like, TGFBP or hybrid motif domains of FBN1. Cysteine residues are believed to be involved in intramolecular disulfide bridges and have been shown to be important for FBN1 protein structure (PMID: 16905551, 19349279). In addition, missense substitutions affecting cysteine residues within these domains are significantly overrepresented among patients with Marfan syndrome (PMID: 16571647, 17701892). For these reasons, this variant has been classified as Pathogenic.

Literature cited by the submitters: PubMed 16905551; PubMed 19349279; PubMed 16571647; PubMed 17701892.

NC_000015.10:g.(?_48428336)_(48474660_?)del

Gene: FBN1 (fibrillin 1; minus strand). Cytogenetic location: 15q21.1.
Variant type: Deletion.
Identifiers: ClinVar variation 831780 (VCV000831780.7).